The following is an entry in ClinVar:

ClinVar aggregate classification (germline): Likely benign (0 of 4 stars; one submission).

Conditions:
IFT74-related disorder. Also called: IFT74-related condition; IFT74-Related Disorders.

Submission:

PreventionGenetics, part of Exact Sciences
Classification: Likely benign for IFT74-related condition. Last evaluated: 2021-11-17. Review status: no assertion criteria provided. Collection method: clinical testing. Allele origin: germline.
Comment: This variant is classified as likely benign based on ACMG/AMP sequence variant interpretation guidelines (Richards et al. 2015 PMID: 25741868, with internal and published modifications).

NM_025103.4(IFT74):c.727-10_727-9del

Gene: IFT74 (intraflagellar transport 74; plus strand). Cytogenetic location: 9p21.2.
Variant type: Deletion.
Coding change: c.727-10_727-9del on transcript NM_025103.4 (MANE Select); 10 bases into the intron before coding-DNA position 727 through 9 bases into the intron before coding-DNA position 727, 2 bases deleted (TT; older notation c.727-10_727-9delTT).
Molecular consequence: intron variant.
Genome position (GRCh38, 1-based): chr9:27,011,896-27,011,897, TT deleted; deleting any 2 consecutive bases within chr9:27,011,888-27,011,897 gives the same sequence; the c. name uses the placement nearest the transcript's 3' end. VCF-style (leftmost placement, unchanged base first): chr9-27011887-CTT-C. GRCh37 (hg19) VCF-style: chr9-27011885-CTT-C.
Other names: c.727-10_727-9del (NM_001099223.3, NM_001099222.3, NM_001349928.2 and 1 more transcripts).
Identifiers: ClinVar variation 3042213 (VCV003042213.2), dbSNP rs759188190, ClinGen allele CA5015369.